The following is an entry in ClinVar:

ClinVar aggregate classification (germline): Uncertain significance. Review status: criteria provided, multiple submitters, no conflicts (2 of 4 stars). 2 submissions from 2 submitters: Uncertain significance (2). Last evaluated 2025-09-15.

Conditions:
Cardiovascular phenotype. Identifiers: MedGen CN230736.
Hypertrophic cardiomyopathy 25 (CMH25). Also called: CARDIOMYOPATHY, FAMILIAL HYPERTROPHIC, 25. Identifiers: MedGen C4225408, MONDO:0011843, OMIM 607487.
Primary familial hypertrophic cardiomyopathy (HCM). Identifiers: Orphanet 99739, MedGen C0949658, MeSH D024741, MONDO:0024573. Inheritance: Various modes of inheritance.

Allele frequency attached by ClinVar (database versions not stated): gnomAD exomes below 0.00001; TOPMed 0.00001; gnomAD 0.00003.

Submissions (2):

Labcorp Genetics (formerly Invitae), Labcorp
Classification: Uncertain significance for Hypertrophic cardiomyopathy 25; Primary familial hypertrophic cardiomyopathy. Last evaluated: 2025-09-15. Review status: criteria provided, single submitter. Criteria: Invitae Variant Classification Sherloc (09022015). Collection method: clinical testing. Allele origin: germline.
Comment: This sequence change replaces glutamic acid, which is acidic and polar, with glutamine, which is neutral and polar, at codon 24 of the TCAP protein (p.Glu24Gln). This variant is present in population databases (no rsID available, gnomAD 0.01%). This variant has not been reported in the literature in individuals affected with TCAP-related conditions. ClinVar contains an entry for this variant (Variation ID: 838126). An algorithm developed to predict the effect of missense changes on protein structure and function (PolyPhen-2) suggests that this variant is likely to be tolerated. In summary, the available evidence is currently insufficient to determine the role of this variant in disease. Therefore, it has been classified as a Variant of Uncertain Significance.

Ambry Genetics
Classification: Uncertain significance for Cardiovascular phenotype. Last evaluated: 2024-12-21. Review status: criteria provided, single submitter. Criteria: Ambry Variant Classification Scheme 2023. Collection method: clinical testing. Allele origin: germline.
Comment: The p.E24Q variant (also known as c.70G>C), located in coding exon 1 of the TCAP gene, results from a G to C substitution at nucleotide position 70. The glutamic acid at codon 24 is replaced by glutamine, an amino acid with highly similar properties. This amino acid position is well conserved in available vertebrate species. In addition, the in silico prediction for this alteration is inconclusive. Since supporting evidence is limited at this time, the clinical significance of this alteration remains unclear.

NM_003673.4(TCAP):c.70G>C (p.Glu24Gln)

Gene: TCAP (titin-cap; plus strand). Cytogenetic location: 17q12.
Variant type: single nucleotide variant.
Coding change: c.70G>C on transcript NM_003673.4 (MANE Select); coding-DNA position 70, G replaced by C.
Protein change: p.Glu24Gln; replaces glutamic acid 24 with glutamine.
Molecular consequence: missense variant.
Genome position (GRCh38, 1-based): chr17:39,665,429, G>C. VCF-style: chr17-39665429-G-C. GRCh37 (hg19) VCF-style: chr17-37821682-G-C.
Other names: short protein forms E24Q.
Identifiers: ClinVar variation 838126 (VCV000838126.13), dbSNP rs993261985, ClinGen allele CA290433742.